The following is an entry in ClinVar:

NM_000451.4(SHOX):c.486+5G>C

Genes: SHOX (SHOX homeobox; plus strand), LOC107652445 (meiotic recombination hotspot SHOX; plus strand). Cytogenetic location: Xp22.33.
Variant type: single nucleotide variant.
Coding change: c.486+5G>C on transcript NM_000451.4 (MANE Select); 5 bases into the intron after coding-DNA position 486, G replaced by C.
Molecular consequence: intron variant.
Genome position (GRCh38, 1-based): chrX:634,831, G>C. VCF-style: chrX-634831-G-C. GRCh37 (hg19) VCF-style: chrX-595566-G-C.
Other names: c.486+5G>C (NM_006883.2).
Identifiers: ClinVar variation 4986107 (VCV004986107.1).

ClinVar aggregate classification (germline): Likely benign (1 of 4 stars; one submission).

Conditions:
SHOX-related disorder. Also called: SHOX-related condition.

Submission:

PreventionGenetics, part of Exact Sciences
Classification: Likely benign for SHOX-related condition. Last evaluated: 2024-10-19. Review status: criteria provided, single submitter. Criteria: ACMG Guidelines, 2015. Collection method: clinical testing. Allele origin: germline.
Comment: This variant is classified as likely benign based on ACMG/AMP sequence variant interpretation guidelines (Richards et al. 2015 PMID: 25741868, with internal and published modifications).